The following is an entry in ClinVar:

ClinVar aggregate classification (germline): Uncertain significance (1 of 4 stars; one submission).

Conditions:
DLG1-related disorder. Also called: DLG1-related condition.

Submission:

PreventionGenetics, part of Exact Sciences
Classification: Uncertain significance for DLG1-related condition. Last evaluated: 2023-03-08. Review status: criteria provided, single submitter. Criteria: ACMG Guidelines, 2015. Collection method: clinical testing. Allele origin: germline.
Comment: The DLG1 c.2662A>C variant is predicted to result in the amino acid substitution p.Ile888Leu. To our knowledge, this variant has not been reported in the literature or in a large population database, indicating this variant is rare. At this time, the clinical significance of this variant is uncertain due to the absence of conclusive functional and genetic evidence.

NM_001366207.1(DLG1):c.2629A>C (p.Ile877Leu)

Gene: DLG1 (discs large MAGUK scaffold protein 1; minus strand). Cytogenetic location: 3q29.
Variant type: single nucleotide variant.
Coding change: c.2629A>C on transcript NM_001366207.1 (MANE Select); coding-DNA position 2629, A replaced by C.
Protein change: p.Ile877Leu; replaces isoleucine 877 with leucine.
Molecular consequence: missense variant. On other transcripts: non-coding transcript variant (4).
Genome position (GRCh38, 1-based): chr3:197,044,676, T>G on the plus strand (A>C on the coding strand, the complement: DLG1 is on the minus strand). VCF-style: chr3-197044676-T-G. GRCh37 (hg19) VCF-style: chr3-196771547-T-G.
Other names: c.2662A>C, p.Ile888Leu (NM_001098424.1, NM_001290983.2, NM_001366218.1); c.2626A>C, p.Ile876Leu (NM_001204386.1, NM_001366205.1, NM_001366213.1); c.2350A>C, p.Ile784Leu (NM_001204387.2); c.2314A>C, p.Ile772Leu (NM_001204388.2); c.2629A>C, p.Ile877Leu (NM_001363865.1, NM_001366210.1, NM_001366215.1); c.2545A>C, p.Ile849Leu (NM_001366203.1); c.2563A>C, p.Ile855Leu (NM_001366204.1, NM_001366208.1, NM_001366209.1 and 1 more transcripts); c.2575A>C, p.Ile859Leu (NM_001366206.1); and 7 more; short protein forms I772L, I784L, I805L, I817L, I837L, I849L, I855L, I858L.
Identifiers: ClinVar variation 2630389 (VCV002630389.1), dbSNP rs2474326851, ClinGen allele CA355645901.